The following is an entry in ClinVar:

NM_014946.4(SPAST):c.1468C>T (p.Gln490Ter)

Gene: SPAST (spastin; plus strand). Cytogenetic location: 2p22.3.
Variant type: single nucleotide variant.
Coding change: c.1468C>T on transcript NM_014946.4 (MANE Select); coding-DNA position 1468, C replaced by T.
Protein change: p.Gln490Ter; replaces glutamine 490 with a stop codon.
Molecular consequence: nonsense.
Genome position (GRCh38, 1-based): chr2:32,137,163, C>T. VCF-style: chr2-32137163-C-T. GRCh37 (hg19) VCF-style: chr2-32362232-C-T.
Other names: c.1465C>T, p.Gln489Ter (NM_001363823.2); c.1369C>T, p.Gln457Ter (NM_001363875.2); c.1372C>T, p.Gln458Ter (NM_001377959.1, NM_199436.2); short protein forms Q457*, Q489*, Q458*, Q490*.
Identifiers: ClinVar variation 955753 (VCV000955753.11), dbSNP rs1553318336, ClinGen allele CA346502496.

ClinVar aggregate classification (germline): Pathogenic. Review status: criteria provided, multiple submitters, no conflicts (2 of 4 stars). 3 submissions from 3 submitters: Pathogenic (3). Last evaluated 2025-04-14.

Conditions:
Hereditary spastic paraplegia 4. Also called: Spastic paraplegia 4, autosomal dominant; Familial spastic paraplegia autosomal dominant 2; Spastic Paraplegia 4. Identifiers: Orphanet 100985, MedGen C1866855, MONDO:0008438, OMIM 182601.

Submissions (3):

Labcorp Genetics (formerly Invitae), Labcorp
Classification: Pathogenic for Hereditary spastic paraplegia 4. Last evaluated: 2025-04-14. Review status: criteria provided, single submitter. Criteria: Invitae Variant Classification Sherloc (09022015). Collection method: clinical testing. Allele origin: germline.
Comment: This sequence change creates a premature translational stop signal (p.Gln490*) in the SPAST gene. It is expected to result in an absent or disrupted protein product. Loss-of-function variants in SPAST are known to be pathogenic (PMID: 20932283). This variant is not present in population databases (gnomAD no frequency). This premature translational stop signal has been observed in individual(s) with hereditary spastic paraplegia (PMID: 15667412). It has also been observed to segregate with disease in related individuals. This variant is also known as 1593C>T. ClinVar contains an entry for this variant (Variation ID: 955753). Algorithms developed to predict the effect of sequence changes on RNA splicing suggest that this variant may disrupt the consensus splice site. For these reasons, this variant has been classified as Pathogenic.

Molecular Genetics, Royal Melbourne Hospital
Classification: Pathogenic for Hereditary spastic paraplegia 4. Last evaluated: 2023-03-30. Review status: criteria provided, single submitter. Criteria: ACMG Guidelines, 2015. Collection method: clinical testing. Allele origin: germline. Affected: yes.
Comment: This sequence change in SPAST is a nonsense variant predicted to cause a premature stop codon, p.(Gln490*), in biologically-relevant-exon 12/17 leading to nonsense mediated decay in a gene in which loss-of-function is an established disease mechanism (ClinGen). This variant is absent from gnomAD v2.1 and v3.1. This variant has been reported in at least two probands with hereditary spastic paraplegia and has been reported to segregate with disease in four affected family members from a single family (PMID: 15667412; LOVD). Based on the classification scheme RMH Modified ACMG Guidelines v1.5.1, this variant is classified as PATHOGENIC. Following criteria are met: PVS1, PS4_Supporting, PM2_Supporting, PP1.

Athena Diagnostics
Classification: Pathogenic. Last evaluated: 2022-01-13. Review status: criteria provided, single submitter. Criteria: Athena Diagnostics Criteria. Collection method: clinical testing. Allele origin: unknown.
Comment: This variant is expected to result in the loss of a functional protein. This variant has not been reported in large, multi-ethnic general populations. In published literature, this variant is referred to as c.1593C>T. This variant segregates with disease in at least one family.

Literature cited by the submitters: PubMed 20932283 (cited by Labcorp Genetics (formerly Invitae), Labcorp); PubMed 15667412 (cited by 3 submitters).